The following is an entry in ClinVar:

ClinVar aggregate classification (germline): Uncertain significance (1 of 4 stars; one submission).

Conditions:
Chuvash polycythemia. Also called: POLYCYTHEMIA, VHL-DEPENDENT. Identifiers: Orphanet 238557, MedGen C1837915, MONDO:0009892, OMIM 263400.
Von Hippel-Lindau syndrome (VHLS). Also called: von Hippel–Lindau syndrome; Von Hippel-Lindau; VHL syndrome. Identifiers: Orphanet 892, MedGen C0019562, MONDO:0008667, OMIM 193300. Disease mechanism: loss of function.

Submission:

Labcorp Genetics (formerly Invitae), Labcorp
Classification: Uncertain significance for Von Hippel-Lindau syndrome; Chuvash polycythemia. Last evaluated: 2026-01-27. Review status: criteria provided, single submitter. Criteria: Invitae Variant Classification Sherloc (09022015). Collection method: clinical testing. Allele origin: germline.
Comment: This sequence change falls in intron 1 of the VHL gene. It is not expected to change the encoded amino acid sequence of the VHL protein. However, this sequence change falls within a cryptic exon in the VHL gene, known as exon E1’, which is naturally expressed at low levels in several human tissues (PMID: 29891534). This variant is not present in population databases (gnomAD no frequency). This variant has not been reported in the literature in individuals affected with VHL-related conditions. ClinVar contains an entry for this variant (Variation ID: 1003280). Algorithms developed to predict the effect of sequence changes on RNA splicing suggest that this variant is not likely to affect RNA splicing. In summary, the available evidence is currently insufficient to determine the role of this variant in disease. Therefore, it has been classified as a Variant of Uncertain Significance.

Literature cited by the submitters: PubMed 29891534.

NM_000551.4(VHL):c.340+755T>A

Genes: VHL (von Hippel-Lindau tumor suppressor; plus strand), LOC107303340 (3p25 von Hippel-Lindau tumor suppressor, E3 ubiquitin protein ligase Alu-mediated recombination region; plus strand). Cytogenetic location: 3p25.3.
Variant type: single nucleotide variant.
Coding change: c.340+755T>A on transcript NM_000551.4 (MANE Select); 755 bases into the intron after coding-DNA position 340, T replaced by A.
Molecular consequence: intron variant. On other transcripts: missense variant (1).
Genome position (GRCh38, 1-based): chr3:10,142,942, T>A. VCF-style: chr3-10142942-T-A. GRCh37 (hg19) VCF-style: chr3-10184626-T-A.
Other names: c.520T>A, p.Cys174Ser (NM_001354723.2); c.340+755T>A (NM_198156.3); short protein forms C174S.
Identifiers: ClinVar variation 1003280 (VCV001003280.9), dbSNP rs1696163129, ClinGen allele CA1345067486.